The following is an entry in ClinVar:

NM_014679.5(CEP57):c.50G>C (p.Ser17Thr)

Gene: CEP57 (centrosomal protein 57; plus strand). Cytogenetic location: 11q21.
Variant type: single nucleotide variant.
Coding change: c.50G>C on transcript NM_014679.5 (MANE Select); coding-DNA position 50, G replaced by C.
Protein change: p.Ser17Thr; replaces serine 17 with threonine.
Molecular consequence: missense variant. On other transcripts: 5 prime UTR variant (1).
Genome position (GRCh38, 1-based): chr11:95,799,236, G>C. VCF-style: chr11-95799236-G-C. GRCh37 (hg19) VCF-style: chr11-95532400-G-C.
Other names: c.23G>C, p.Ser8Thr (NM_001243776.2); c.50G>C, p.Ser17Thr (NM_001243777.2); c.-32G>C (NM_001363604.2); short protein forms S17T, S8T.
Identifiers: ClinVar variation 582024 (VCV000582024.8), dbSNP rs1565311619, ClinGen allele CA382415390.

ClinVar aggregate classification (germline): Uncertain significance (1 of 4 stars; one submission).

Conditions:
Mosaic variegated aneuploidy syndrome 2 (MVA2). Identifiers: Orphanet 1052, MedGen C3279843, MONDO:0013582, OMIM 614114.

Submission:

Labcorp Genetics (formerly Invitae), Labcorp
Classification: Uncertain significance for Mosaic variegated aneuploidy syndrome 2. Last evaluated: 2018-01-29. Review status: criteria provided, single submitter. Criteria: Invitae Variant Classification Sherloc (09022015). Collection method: clinical testing. Allele origin: germline.
Comment: In summary, the available evidence is currently insufficient to determine the role of this variant in disease. Therefore, it has been classified as a Variant of Uncertain Significance. Algorithms developed to predict the effect of missense changes on protein structure and function output the following: SIFT: "Tolerated"; Align-GVGD: "Class C0". The threonine amino acid residue is found in multiple mammalian species, suggesting that this missense change does not adversely affect protein function. These predictions have not been confirmed by published functional studies and their clinical significance is uncertain. This variant has not been reported in the literature in individuals with CEP57-related disease. This variant is not present in population databases (ExAC no frequency). This sequence change replaces serine with threonine at codon 17 of the CEP57 protein (p.Ser17Thr). The serine residue is weakly conserved and there is a small physicochemical difference between serine and threonine.